The following is an entry in ClinVar:

NC_000016.10:g.(89758706_89761948)_(89771815_89773270)del

Gene: FANCA (FA complementation group A; minus strand). Cytogenetic location: 16q24.3.
Variant type: Deletion.
Identifiers: ClinVar variation 974232 (VCV000974232.1).

ClinVar aggregate classification (germline): Uncertain significance (0 of 4 stars; one submission).

Conditions:
Fanconi anemia complementation group A (FANCA). Also called: Fanconi anemia, group A; FANCA-Related Fanconi Anemia. Identifiers: Orphanet 84, MedGen C3469521, MONDO:0009215, OMIM 227650.

Submission:

Leiden Open Variation Database
Classification: Uncertain significance for Fanconi anemia complementation group A. Last evaluated: 2020-02-28. Review status: no assertion criteria provided. Collection method: curation. Allele origin: germline. Affected: yes.
Comment: Curator: Arleen D. Auerbach. Submitter to LOVD: Arleen D. Auerbach.